The following is an entry in ClinVar:

NM_001077653.2(TBX20):c.533del (p.Pro178fs)

Gene: TBX20 (T-box transcription factor 20; minus strand). Cytogenetic location: 7p14.2.
Variant type: Deletion.
Coding change: c.533del on transcript NM_001077653.2 (MANE Select); coding-DNA position 533, one base deleted (C; older notation c.533delC).
Protein change: p.Pro178fs; shifts the reading frame from proline 178.
Molecular consequence: frameshift variant.
Genome position (GRCh38, 1-based): chr7:35,248,689, G deleted on the plus strand (C on the coding strand, the reverse complement: TBX20 is on the minus strand); the first of 2 consecutive G bases (chr7:35,248,689-35,248,690); deleting either gives the same sequence. VCF-style (leftmost placement, unchanged base first): chr7-35248688-CG-C. GRCh37 (hg19) VCF-style: chr7-35288300-CG-C.
Other names: c.533del, p.Pro178fs (NM_001166220.1); short protein forms P178fs.
Identifiers: ClinVar variation 3727062 (VCV003727062.2).

ClinVar aggregate classification (germline): Pathogenic (1 of 4 stars; one submission).

Submission:

Labcorp Genetics (formerly Invitae), Labcorp
Classification: Pathogenic. Last evaluated: 2024-12-12. Review status: criteria provided, single submitter. Criteria: Invitae Variant Classification Sherloc (09022015). Collection method: clinical testing. Allele origin: germline.
Comment: This sequence change creates a premature translational stop signal (p.Pro178Argfs*29) in the TBX20 gene. It is expected to result in an absent or disrupted protein product. Loss-of-function variants in TBX20 are known to be pathogenic (PMID: 15901664, 25625280, 26118961, 27510170). This variant is not present in population databases (gnomAD no frequency). This variant has not been reported in the literature in individuals affected with TBX20-related conditions. For these reasons, this variant has been classified as Pathogenic.

Literature cited by the submitters: PubMed 15901664; PubMed 25625280; PubMed 26118961; PubMed 27510170.